The following is an entry in ClinVar:

ClinVar aggregate classification (germline): Uncertain significance. Review status: criteria provided, multiple submitters, no conflicts (2 of 4 stars). 3 submissions from 3 submitters: Uncertain significance (3). Last evaluated 2022-04-28.

Conditions:
Atrial septal defect 3 (ASD3). Identifiers: Orphanet 1478, MedGen C3279790, MONDO:0013567, OMIM 614089.
Sick sinus syndrome 3, susceptibility to (SSS3). Identifiers: Orphanet 166282, MedGen C3279791, MONDO:0013568, OMIM 614090.
Dilated cardiomyopathy 1EE (CMD1EE). Identifiers: Orphanet 154, MedGen C2750466, MONDO:0013198, OMIM 613252.
Hypertrophic cardiomyopathy 14. Identifiers: MedGen C2750467, MONDO:0013197, OMIM 613251.

Allele frequency attached by ClinVar (database versions not stated): gnomAD exomes below 0.00001.
gnomAD v4.1: 1 of 1,614,026 alleles (0.000062%); highest among the groups gnomAD compares: East Asian, 0.0022%; no homozygotes.

Submissions (3):

GeneDx
Classification: Uncertain significance. Last evaluated: 2022-04-28. Review status: criteria provided, single submitter. Criteria: GeneDx Variant Classification Process June 2021. Collection method: clinical testing. Allele origin: germline. Affected: yes.
Comment: Has not been previously published as pathogenic or benign to our knowledge; Not observed at significant frequency in large population cohorts (gnomAD); In silico analysis supports that this missense variant does not alter protein structure/function

Labcorp Genetics (formerly Invitae), Labcorp
Classification: Uncertain significance for Hypertrophic cardiomyopathy 14. Last evaluated: 2022-02-19. Review status: criteria provided, single submitter. Criteria: Invitae Variant Classification Sherloc (09022015). Collection method: clinical testing. Allele origin: germline.
Comment: This variant is present in population databases (no rsID available, gnomAD 0.006%). This variant has not been reported in the literature in individuals affected with MYH6-related conditions. Algorithms developed to predict the effect of missense changes on protein structure and function are either unavailable or do not agree on the potential impact of this missense change (SIFT: "Deleterious"; PolyPhen-2: "Benign"; Align-GVGD: "Class C0"). In summary, the available evidence is currently insufficient to determine the role of this variant in disease. Therefore, it has been classified as a Variant of Uncertain Significance. This sequence change replaces leucine, which is neutral and non-polar, with valine, which is neutral and non-polar, at codon 980 of the MYH6 protein (p.Leu980Val).

Juno Genomics, Hangzhou Juno Genomics, Inc
Classification: Uncertain significance for Sick sinus syndrome 3, susceptibility to; Atrial septal defect 3; Dilated cardiomyopathy 1EE; Hypertrophic cardiomyopathy 14. Review status: criteria provided, single submitter. Criteria: ACMG Guidelines, 2015. Collection method: clinical testing. Allele origin: germline.
Comment: Absent from controls (or at extremely low frequency if recessive) in Genome Aggregation Database.

NM_002471.4(MYH6):c.2938C>G (p.Leu980Val)

Gene: MYH6 (myosin heavy chain 6; minus strand). Cytogenetic location: 14q11.2.
Variant type: single nucleotide variant.
Coding change: c.2938C>G on transcript NM_002471.4 (MANE Select); coding-DNA position 2938, C replaced by G.
Protein change: p.Leu980Val; replaces leucine 980 with valine.
Molecular consequence: missense variant.
Genome position (GRCh38, 1-based): chr14:23,393,509, G>C on the plus strand (C>G on the coding strand, the complement: MYH6 is on the minus strand). VCF-style: chr14-23393509-G-C. GRCh37 (hg19) VCF-style: chr14-23862718-G-C.
Other names: short protein forms L980V.
Identifiers: ClinVar variation 1712761 (VCV001712761.9), dbSNP rs1291099380, ClinGen allele CA389011466.